The following is an entry in ClinVar:

NM_000257.4(MYH7):c.1956+3G>T

Gene: MYH7 (myosin heavy chain 7; minus strand). Cytogenetic location: 14q11.2.
Variant type: single nucleotide variant.
Coding change: c.1956+3G>T on transcript NM_000257.4 (MANE Select); 3 bases into the intron after coding-DNA position 1956, G replaced by T.
Molecular consequence: intron variant.
Genome position (GRCh38, 1-based): chr14:23,427,237, C>A on the plus strand (G>T on the coding strand, the complement: MYH7 is on the minus strand). VCF-style: chr14-23427237-C-A. GRCh37 (hg19) VCF-style: chr14-23896446-C-A.
Other names: c.1956+3G>T (NM_001407004.1).
Identifiers: ClinVar variation 3876497 (VCV003876497.1).

ClinVar aggregate classification (germline): Uncertain significance (1 of 4 stars; one submission).

Conditions:
Cardiovascular phenotype. Identifiers: MedGen CN230736.

gnomAD v4.1: 2 of 1,613,640 alleles (0.00012%); highest among the groups gnomAD compares: Non-Finnish European, 0.00017%; no homozygotes.

Submission:

Ambry Genetics
Classification: Uncertain significance for Cardiovascular phenotype. Last evaluated: 2025-03-14. Review status: criteria provided, single submitter. Criteria: Ambry Variant Classification Scheme 2023. Collection method: clinical testing. Allele origin: germline.
Comment: The c.1956+3G>T intronic variant results from a G to T substitution 3 nucleotides after coding exon 15 in the MYH7 gene. This nucleotide position is well conserved in available vertebrate species. In silico splice site analysis predicts that this alteration will not have any significant effect on splicing. Based on the available evidence, the clinical significance of this variant remains unclear.